The following is an entry in ClinVar:

NM_001134363.3(RBM20):c.700G>A (p.Ala234Thr)

Gene: RBM20 (RNA binding motif protein 20; plus strand). Cytogenetic location: 10q25.2.
Variant type: single nucleotide variant.
Coding change: c.700G>A on transcript NM_001134363.3 (MANE Select); coding-DNA position 700, G replaced by A.
Protein change: p.Ala234Thr; replaces alanine 234 with threonine.
Molecular consequence: missense variant.
Genome position (GRCh38, 1-based): chr10:110,781,309, G>A. VCF-style: chr10-110781309-G-A. GRCh37 (hg19) VCF-style: chr10-112541067-G-A.
Other names: c.700G>A (LRG_382t1); short protein forms A234T.
Identifiers: ClinVar variation 518528 (VCV000518528.6), dbSNP rs1554898862, ClinGen allele CA378382398.

ClinVar aggregate classification (germline): Uncertain significance (1 of 4 stars; one submission).

Conditions:
Cardiovascular phenotype. Identifiers: MedGen CN230736.

Submission:

Ambry Genetics
Classification: Uncertain significance for Cardiovascular phenotype. Last evaluated: 2023-05-06. Review status: criteria provided, single submitter. Criteria: Ambry Variant Classification Scheme 2023. Collection method: clinical testing. Allele origin: germline.
Comment: The p.A234T variant (also known as c.700G>A), located in coding exon 2 of the RBM20 gene, results from a G to A substitution at nucleotide position 700. The alanine at codon 234 is replaced by threonine, an amino acid with similar properties. This variant was not reported in population based cohorts in the following databases: Database of Single Nucleotide Polymorphisms (dbSNP), NHLBI Exome Sequencing Project (ESP), and 1000 Genomes Project. In the ESP, this variant was not observed in 2283 samples (4566 alleles) with coverage at this position. This amino acid position is well conserved in available vertebrate species; however, threonine is the reference amino acid in other vertebrate species. In addition, this alteration is predicted to be tolerated by in silico analysis. Since supporting evidence is limited at this time, the clinical significance of this alteration remains unclear.